The following is an entry in ClinVar:

NM_001286577.2(C2CD3):c.6668A>G (p.Asp2223Gly)

Gene: C2CD3 (C2 domain containing 3 centriole elongation regulator; minus strand). Cytogenetic location: 11q13.4.
Variant type: single nucleotide variant.
Coding change: c.6668A>G on transcript NM_001286577.2 (MANE Select); coding-DNA position 6668, A replaced by G.
Protein change: p.Asp2223Gly; replaces aspartic acid 2223 with glycine.
Molecular consequence: missense variant.
Genome position (GRCh38, 1-based): chr11:74,033,492, T>C on the plus strand (A>G on the coding strand, the complement: C2CD3 is on the minus strand). VCF-style: chr11-74033492-T-C. GRCh37 (hg19) VCF-style: chr11-73744537-T-C.
Other names: short protein forms D2223G.
Identifiers: ClinVar variation 1976348 (VCV001976348.5), dbSNP rs1367667186, ClinGen allele CA381819639.

ClinVar aggregate classification (germline): Uncertain significance (1 of 4 stars; one submission).

Allele frequency attached by ClinVar (database versions not stated): TOPMed 0.00001; gnomAD exomes below 0.00001.
gnomAD v4.1: 3 of 1,536,180 alleles (0.0002%); highest among the groups gnomAD compares: Admixed American, 0.0039%; no homozygotes.

Submission:

Labcorp Genetics (formerly Invitae), Labcorp
Classification: Uncertain significance. Last evaluated: 2025-04-21. Review status: criteria provided, single submitter. Criteria: Invitae Variant Classification Sherloc (09022015). Collection method: clinical testing. Allele origin: germline.
Comment: This sequence change replaces aspartic acid with glycine at codon 2223 of the C2CD3 protein (p.Asp2223Gly). The C2CD3 gene has multiple clinically relevant transcripts. This variant occurs in alternate transcript NM_001286577.1, and corresponds to NM_015531.5:c.*1106A>G in the primary transcript. This sequence change replaces aspartic acid, which is acidic and polar, with glycine, which is neutral and non-polar, at codon 2223 of the C2CD3 protein (p.Asp2223Gly). This variant is present in population databases (no rsID available, gnomAD 0.008%). This variant has not been reported in the literature in individuals affected with C2CD3-related conditions. Experimental studies and prediction algorithms are not available or were not evaluated, and the functional significance of this variant is currently unknown. In summary, the available evidence is currently insufficient to determine the role of this variant in disease. Therefore, it has been classified as a Variant of Uncertain Significance.